The following is an entry in ClinVar:

ClinVar aggregate classification (germline): Uncertain significance (1 of 4 stars; one submission).

Allele frequency attached by ClinVar (database versions not stated): gnomAD exomes below 0.00001.
gnomAD v4.1: 2 of 1,614,176 alleles (0.00012%); highest among the groups gnomAD compares: Middle Eastern, 0.016%; no homozygotes.

Submission:

Labcorp Genetics (formerly Invitae), Labcorp
Classification: Uncertain significance. Last evaluated: 2022-06-05. Review status: criteria provided, single submitter. Criteria: Invitae Variant Classification Sherloc (09022015). Collection method: clinical testing. Allele origin: germline.
Comment: Algorithms developed to predict the effect of missense changes on protein structure and function are either unavailable or do not agree on the potential impact of this missense change (SIFT: "Tolerated"; PolyPhen-2: "Probably Damaging"; Align-GVGD: "Class C0"). In summary, the available evidence is currently insufficient to determine the role of this variant in disease. Therefore, it has been classified as a Variant of Uncertain Significance. This variant has not been reported in the literature in individuals affected with NUP62-related conditions. This variant is present in population databases (no rsID available, gnomAD 0.0009%). This sequence change replaces threonine, which is neutral and polar, with serine, which is neutral and polar, at codon 191 of the NUP62 protein (p.Thr191Ser).

NM_016553.5(NUP62):c.572C>G (p.Thr191Ser)

Genes: IL4I1 (interleukin 4 induced 1; minus strand), NUP62 (nucleoporin 62; minus strand). Cytogenetic location: 19q13.33.
Variant type: single nucleotide variant.
Coding change: c.572C>G on transcript NM_016553.5 (MANE Select); coding-DNA position 572, C replaced by G.
Protein change: p.Thr191Ser; replaces threonine 191 with serine.
Molecular consequence: missense variant. On other transcripts: intron variant (3).
Genome position (GRCh38, 1-based): chr19:49,909,236, G>C on the plus strand (C>G on the coding strand, the complement: NUP62 is on the minus strand). VCF-style: chr19-49909236-G-C. GRCh37 (hg19) VCF-style: chr19-50412493-G-C.
Other names: c.572C>G, p.Thr191Ser (NM_001193357.2, NM_012346.5, NM_153718.4 and 1 more transcripts); c.-227-4915C>G (NM_001258017.2, NM_172374.3); c.-285-4915C>G (NM_001258018.2); short protein forms T191S.
Identifiers: ClinVar variation 2002503 (VCV002002503.4), dbSNP rs1385258440, ClinGen allele CA406926623.